The following is an entry in ClinVar:

ClinVar aggregate classification (germline): Uncertain significance (1 of 4 stars; one submission).

Conditions:
Hereditary cancer-predisposing syndrome. Also called: Neoplastic Syndromes, Hereditary; Tumor predisposition; Hereditary neoplastic syndrome; Hereditary Cancer Syndrome. Identifiers: Orphanet 140162, MedGen C0027672, MeSH D009386, MONDO:0015356.

Submission:

Ambry Genetics
Classification: Uncertain significance for Hereditary cancer-predisposing syndrome. Last evaluated: 2023-12-15. Review status: criteria provided, single submitter. Criteria: Ambry Variant Classification Scheme 2023. Collection method: clinical testing. Allele origin: germline.
Comment: The p.S1795T variant (also known as c.5383T>A), located in coding exon 15 of the APC gene, results from a T to A substitution at nucleotide position 5383. The serine at codon 1795 is replaced by threonine, an amino acid with similar properties. This amino acid position is conserved. In addition, in silico predictors for this gene do not accurately predict pathogenicity. Since supporting evidence is limited at this time, the clinical significance of this alteration remains unclear.

NM_000038.6(APC):c.5383T>A (p.Ser1795Thr)

Gene: APC (APC regulator of Wnt signaling pathway; plus strand). Cytogenetic location: 5q22.2.
Variant type: single nucleotide variant.
Coding change: c.5383T>A on transcript NM_000038.6 (MANE Select); coding-DNA position 5383, T replaced by A.
Protein change: p.Ser1795Thr; replaces serine 1795 with threonine.
Molecular consequence: missense variant. On other transcripts: non-coding transcript variant (2).
Genome position (GRCh38, 1-based): chr5:112,840,977, T>A. VCF-style: chr5-112840977-T-A. GRCh37 (hg19) VCF-style: chr5-112176674-T-A.
Other names: c.5383T>A, p.Ser1795Thr (NM_001127510.3, NM_001354895.2, NM_001407450.1); c.5329T>A, p.Ser1777Thr (NM_001127511.3); c.5437T>A, p.Ser1813Thr (NM_001354896.2, NM_001407447.1, NM_001407448.1 and 1 more transcripts); c.5413T>A, p.Ser1805Thr (NM_001354897.2); c.5308T>A, p.Ser1770Thr (NM_001354898.2); c.5299T>A, p.Ser1767Thr (NM_001354899.2); c.5260T>A, p.Ser1754Thr (NM_001354900.2); c.5206T>A, p.Ser1736Thr (NM_001354901.2, NM_001407453.1); and 11 more; short protein forms S1411T, S1512T, S1635T, S1666T, S1669T, S1694T, S1704T, S1712T.
Identifiers: ClinVar variation 3230740 (VCV003230740.1), dbSNP rs2149938817, ClinGen allele CA16033094.